The following is an entry in ClinVar:

ClinVar aggregate classification (germline): Uncertain significance (1 of 4 stars; one submission).

Allele frequency attached by ClinVar (database versions not stated): ExAC 0.00004; gnomAD exomes 0.00002; TOPMed below 0.00001.

Submission:

Labcorp Genetics (formerly Invitae), Labcorp
Classification: Uncertain significance. Last evaluated: 2025-11-16. Review status: criteria provided, single submitter. Criteria: Invitae Variant Classification Sherloc (09022015). Collection method: clinical testing. Allele origin: germline.
Comment: This sequence change replaces aspartic acid, which is acidic and polar, with asparagine, which is neutral and polar, at codon 463 of the LMF1 protein (p.Asp463Asn). This variant is present in population databases (rs750391160, gnomAD 0.02%). This missense change has been observed in individual(s) with chylomicronemia and/or dyslipidemia (PMID: 32041611; internal data). ClinVar contains an entry for this variant (Variation ID: 1503170). An algorithm developed to predict the effect of missense changes on protein structure and function (PolyPhen-2) suggests that this variant is likely to be disruptive. In summary, the available evidence is currently insufficient to determine the role of this variant in disease. Therefore, it has been classified as a Variant of Uncertain Significance.

Literature cited by the submitters: PubMed 32041611.

NM_022773.4(LMF1):c.1387G>A (p.Asp463Asn)

Gene: LMF1 (lipase maturation factor 1; minus strand). Cytogenetic location: 16p13.3.
Variant type: single nucleotide variant.
Coding change: c.1387G>A on transcript NM_022773.4 (MANE Select); coding-DNA position 1387, G replaced by A.
Protein change: p.Asp463Asn; replaces aspartic acid 463 with asparagine.
Molecular consequence: missense variant. On other transcripts: non-coding transcript variant (1), intron variant (1).
Genome position (GRCh38, 1-based): chr16:869,912, C>T on the plus strand (G>A on the coding strand, the complement: LMF1 is on the minus strand). VCF-style: chr16-869912-C-T. GRCh37 (hg19) VCF-style: chr16-919912-C-T.
Other names: c.736G>A, p.Asp246Asn (NM_001352017.2, NM_001352021.2); c.988G>A, p.Asp330Asn (NM_001352018.2); c.1060G>A, p.Asp354Asn (NM_001352019.2); c.1336+51G>A (NM_001352020.1); short protein forms D246N, D354N, D330N, D463N.
Identifiers: ClinVar variation 1503170 (VCV001503170.8), dbSNP rs750391160, ClinGen allele CA7797047.